The following is an entry in ClinVar:

NM_000017.4(ACADS):c.38C>T (p.Ala13Val)

Gene: ACADS (acyl-CoA dehydrogenase short chain; plus strand). Cytogenetic location: 12q24.31.
Variant type: single nucleotide variant.
Coding change: c.38C>T on transcript NM_000017.4 (MANE Select); coding-DNA position 38, C replaced by T.
Protein change: p.Ala13Val; replaces alanine 13 with valine.
Molecular consequence: missense variant.
Genome position (GRCh38, 1-based): chr12:120,725,923, C>T. VCF-style: chr12-120725923-C-T. GRCh37 (hg19) VCF-style: chr12-121163726-C-T.
Other names: c.38C>T, p.Ala13Val (NM_001302554.2); short protein forms A13V.
Identifiers: ClinVar variation 2914138 (VCV002914138.3), dbSNP rs1306073403, ClinGen allele CA386612672.

ClinVar aggregate classification (germline): Uncertain significance (1 of 4 stars; one submission).

Conditions:
Deficiency of butyryl-CoA dehydrogenase (ACADSD). Also called: ACADS DEFICIENCY; Short-Chain Acyl-CoA Dehydrogenase Deficiency; SCADH DEFICIENCY; SCAD DEFICIENCY, MILD; ACYL-CoA DEHYDROGENASE, SHORT-CHAIN, DEFICIENCY OF; SCAD Deficiency. Identifiers: Orphanet 26792, MedGen C0342783, MONDO:0008722, OMIM 201470. Disease mechanism: May be benign.

Allele frequency attached by ClinVar (database versions not stated): gnomAD 0.00001; gnomAD exomes 0.00001; TOPMed 0.00002.

Submission:

Labcorp Genetics (formerly Invitae), Labcorp
Classification: Uncertain significance for Deficiency of butyryl-CoA dehydrogenase. Last evaluated: 2023-12-26. Review status: criteria provided, single submitter. Criteria: Invitae Variant Classification Sherloc (09022015). Collection method: clinical testing. Allele origin: germline.
Comment: This sequence change replaces alanine, which is neutral and non-polar, with valine, which is neutral and non-polar, at codon 13 of the ACADS protein (p.Ala13Val). The frequency data for this variant in the population databases is considered unreliable, as metrics indicate poor data quality at this position in the gnomAD database. This variant has not been reported in the literature in individuals affected with ACADS-related conditions. Advanced modeling of protein sequence and biophysical properties (such as structural, functional, and spatial information, amino acid conservation, physicochemical variation, residue mobility, and thermodynamic stability) performed at Invitae indicates that this missense variant is expected to disrupt ACADS protein function with a positive predictive value of 80%. In summary, the available evidence is currently insufficient to determine the role of this variant in disease. Therefore, it has been classified as a Variant of Uncertain Significance.